The following is an entry in ClinVar:

NM_003242.6(TGFBR2):c.467G>T (p.Ser156Ile)

Gene: TGFBR2 (transforming growth factor beta receptor 2; plus strand). Cytogenetic location: 3p24.1.
Variant type: single nucleotide variant.
Coding change: c.467G>T on transcript NM_003242.6 (MANE Select); coding-DNA position 467, G replaced by T.
Protein change: p.Ser156Ile; replaces serine 156 with isoleucine.
Molecular consequence: missense variant.
Genome position (GRCh38, 1-based): chr3:30,671,650, G>T. VCF-style: chr3-30671650-G-T. GRCh37 (hg19) VCF-style: chr3-30713142-G-T.
Other names: c.542G>T, p.Ser181Ile (NM_001024847.3); c.650G>T, p.Ser217Ile (NM_001407126.1); c.575G>T, p.Ser192Ile (NM_001407127.1); c.494G>T, p.Ser165Ile (NM_001407128.1); c.470G>T, p.Ser157Ile (NM_001407129.1); c.467G>T, p.Ser156Ile (NM_001407130.1); c.362G>T, p.Ser121Ile (NM_001407132.1, NM_001407133.1, NM_001407134.1 and 2 more transcripts); c.182G>T, p.Ser61Ile (NM_001407137.1); and 1 more; short protein forms S156I, S181I, S217I, S36I, S121I, S192I, S157I, S165I.
Identifiers: ClinVar variation 921827 (VCV000921827.7), dbSNP rs1699338540, ClinGen allele CA351807176.

ClinVar aggregate classification (germline): Uncertain significance. Review status: criteria provided, multiple submitters, no conflicts (2 of 4 stars). 2 submissions from 2 submitters: Uncertain significance (2). Last evaluated 2022-12-06.

Conditions:
Familial thoracic aortic aneurysm and aortic dissection (TAAD). Also called: Thoracic aortic aneurysms and dissections. Identifiers: Orphanet 91387, MedGen C4707243, MONDO:0019625.

Allele frequency attached by ClinVar (database versions not stated): gnomAD 0.00001.
gnomAD v4.1: 1 of 1,614,128 alleles (0.000062%); highest among the groups gnomAD compares: East Asian, 0.0022%; no homozygotes.

Submissions (2):

Labcorp Genetics (formerly Invitae), Labcorp
Classification: Uncertain significance for Familial thoracic aortic aneurysm and aortic dissection. Last evaluated: 2022-12-06. Review status: criteria provided, single submitter. Criteria: Invitae Variant Classification Sherloc (09022015). Collection method: clinical testing. Allele origin: germline.
Comment: In summary, the available evidence is currently insufficient to determine the role of this variant in disease. Therefore, it has been classified as a Variant of Uncertain Significance. This missense change has been observed in individual(s) with TGFBR2-related conditions (PMID: 31915033). ClinVar contains an entry for this variant (Variation ID: 921827). Advanced modeling of protein sequence and biophysical properties (such as structural, functional, and spatial information, amino acid conservation, physicochemical variation, residue mobility, and thermodynamic stability) performed at Invitae indicates that this missense variant is not expected to disrupt TGFBR2 protein function. This sequence change replaces serine, which is neutral and polar, with isoleucine, which is neutral and non-polar, at codon 156 of the TGFBR2 protein (p.Ser156Ile). This variant is not present in population databases (gnomAD no frequency).

Color Diagnostics, LLC DBA Color Health
Classification: Uncertain significance for Familial thoracic aortic aneurysm and aortic dissection. Last evaluated: 2019-09-24. Review status: criteria provided, single submitter. Criteria: ACMG Guidelines, 2015. Collection method: clinical testing. Allele origin: germline.
Comment: This missense variant replaces serine with isoleucine at codon 181 of the TGFBR2 protein. Computational prediction tool suggests that this variant may not impact protein structure and function (internally defined REVEL score threshold ≤0.5, PMID: 27666373). Splice site prediction tools suggest that this variant may not impact RNA splicing. To our knowledge, functional studies have not been performed for this variant. This variant has not been reported in individuals affected with cardiovascular disorders in the literature. This variant has not been identified in the general population by the Genome Aggregation Database (gnomAD). The available evidence is insufficient to determine the role of this variant in disease conclusively. Therefore, this variant is classified as a Variant of Uncertain Significance.

Literature cited by the submitters: PubMed 31915033 (cited by Labcorp Genetics (formerly Invitae), Labcorp).